The following is an entry in ClinVar:

ClinVar aggregate classification (germline): Benign/Likely benign. Review status: criteria provided, multiple submitters, no conflicts (2 of 4 stars). 4 submissions from 4 submitters: Benign (1); Likely benign (3). Last evaluated 2025-12-18.

Conditions:
Tuberous sclerosis 2 (TSC2). Identifiers: Orphanet 805, MedGen C1860707, MONDO:0013199, OMIM 613254.
Hereditary cancer-predisposing syndrome. Also called: Tumor predisposition; Hereditary neoplastic syndrome; Hereditary Cancer Syndrome; Neoplastic Syndromes, Hereditary. Identifiers: Orphanet 140162, MedGen C0027672, MeSH D009386, MONDO:0015356.

gnomAD v4.1: 11 of 1,612,740 alleles (0.00068%); highest among the groups gnomAD compares: Non-Finnish European, 0.00093%; no homozygotes.

Submissions (4):

Labcorp Genetics (formerly Invitae), Labcorp
Classification: Likely benign for Tuberous sclerosis 2. Last evaluated: 2025-12-18. Review status: criteria provided, single submitter. Criteria: Invitae Variant Classification Sherloc (09022015). Collection method: clinical testing. Allele origin: germline.

CeGaT Center for Human Genetics Tuebingen
Classification: Likely benign. Last evaluated: 2025-08-01. Review status: criteria provided, single submitter. Criteria: CeGaT Center For Human Genetics Tuebingen Variant Classification Criteria Version 2. Collection method: clinical testing. Allele origin: germline. Affected: yes. Observed: 1 variant allele.
Comment: TSC2: BP4, BP7

Myriad Genetics, Inc.
Classification: Benign for Tuberous sclerosis 2. Last evaluated: 2025-06-05. Review status: criteria provided, single submitter. Criteria: Myriad Autosomal Dominant, Autosomal Recessive and X-Linked Classification Criteria (2023). Collection method: clinical testing. Allele origin: unknown.
Comment: This variant is considered benign. This variant is a silent/synonymous amino acid change and it is not expected to impact splicing.

Ambry Genetics
Classification: Likely benign for Hereditary cancer-predisposing syndrome. Last evaluated: 2022-06-12. Review status: criteria provided, single submitter. Criteria: Ambry Variant Classification Scheme 2023. Collection method: clinical testing. Allele origin: germline.

NM_000548.5(TSC2):c.4836T>C (p.Asp1612=)

Gene: TSC2 (TSC complex subunit 2; plus strand). Cytogenetic location: 16p13.3.
Variant type: single nucleotide variant.
Coding change: c.4836T>C on transcript NM_000548.5 (MANE Select); coding-DNA position 4836, T replaced by C.
Protein change: p.Asp1612=; no amino-acid change (aspartic acid 1612 retained).
Molecular consequence: synonymous variant.
Genome position (GRCh38, 1-based): chr16:2,086,366, T>C. VCF-style: chr16-2086366-T-C. GRCh37 (hg19) VCF-style: chr16-2136367-T-C.
Other names: c.4635T>C, p.Asp1545= (NM_001077183.3); c.4767T>C, p.Asp1589= (NM_001114382.3); c.4527T>C, p.Asp1509= (NM_001318827.2); c.4491T>C, p.Asp1497= (NM_001318829.2); c.4104T>C, p.Asp1368= (NM_001318831.2); c.4668T>C, p.Asp1556= (NM_001318832.2); c.4638T>C, p.Asp1546= (NM_001363528.2); c.4704T>C, p.Asp1568= (NM_001370404.1); and 1 more.
Identifiers: ClinVar variation 1136737 (VCV001136737.20), dbSNP rs2151576368, ClinGen allele CA493043591.